The following is an entry in ClinVar:

ClinVar aggregate classification (germline): Uncertain significance. Review status: criteria provided, multiple submitters, no conflicts (2 of 4 stars). 2 submissions from 2 submitters: Uncertain significance (2). Last evaluated 2023-02-13.

Conditions:
Familial hypocalciuric hypercalcemia (FHH). Also called: Familial benign hypercalcemia. Identifiers: Orphanet 405, MedGen C1809471, MONDO:0018458.
Autosomal dominant hypocalcemia 1 (HYPOC1). Also called: HYPOCALCEMIA, FAMILIAL. Identifiers: MedGen C3715128, MONDO:0011013, OMIM 601198.
Nephrolithiasis/nephrocalcinosis. Identifiers: MedGen CN580796.

Allele frequency attached by ClinVar (database versions not stated): gnomAD exomes below 0.00001; TOPMed below 0.00001; gnomAD 0.00001.
gnomAD v4.1: 2 of 1,613,528 alleles (0.00012%); highest among the groups gnomAD compares: Non-Finnish European, 0.00017%; no homozygotes.

Submissions (2):

Ambry Genetics
Classification: Uncertain significance for Nephrolithiasis/nephrocalcinosis. Last evaluated: 2023-02-13. Review status: criteria provided, single submitter. Criteria: Ambry Variant Classification Scheme 2023. Collection method: clinical testing. Allele origin: germline.
Comment: The p.N855H variant (also known as c.2563A>C), located in coding exon 6 of the CASR gene, results from an A to C substitution at nucleotide position 2563. The asparagine at codon 855 is replaced by histidine, an amino acid with similar properties. This amino acid position is highly conserved in available vertebrate species. In addition, the in silico prediction for this alteration is inconclusive. Since supporting evidence is limited at this time, the clinical significance of this alteration remains unclear.

Labcorp Genetics (formerly Invitae), Labcorp
Classification: Uncertain significance for Familial hypocalciuric hypercalcemia; Autosomal dominant hypocalcemia 1. Last evaluated: 2022-08-16. Review status: criteria provided, single submitter. Criteria: Invitae Variant Classification Sherloc (09022015). Collection method: clinical testing. Allele origin: germline.
Comment: This variant has not been reported in the literature in individuals affected with CASR-related conditions. In summary, the available evidence is currently insufficient to determine the role of this variant in disease. Therefore, it has been classified as a Variant of Uncertain Significance. Algorithms developed to predict the effect of missense changes on protein structure and function are either unavailable or do not agree on the potential impact of this missense change (SIFT: "Deleterious"; PolyPhen-2: "Benign"; Align-GVGD: "Class C0"). ClinVar contains an entry for this variant (Variation ID: 1366778). This variant is not present in population databases (gnomAD no frequency). This sequence change replaces asparagine, which is neutral and polar, with histidine, which is basic and polar, at codon 855 of the CASR protein (p.Asn855His).

NM_000388.4(CASR):c.2563A>C (p.Asn855His)

Gene: CASR (calcium sensing receptor; plus strand). Cytogenetic location: 3q21.1.
Variant type: single nucleotide variant.
Coding change: c.2563A>C on transcript NM_000388.4 (MANE Select); coding-DNA position 2563, A replaced by C.
Protein change: p.Asn855His; replaces asparagine 855 with histidine.
Molecular consequence: missense variant.
Genome position (GRCh38, 1-based): chr3:122,284,517, A>C. VCF-style: chr3-122284517-A-C. GRCh37 (hg19) VCF-style: chr3-122003364-A-C.
Other names: c.2563A>C (NM_000388.3); c.2593A>C, p.Asn865His (NM_001178065.2); short protein forms N855H, N865H.
Identifiers: ClinVar variation 1366778 (VCV001366778.7), dbSNP rs2074940790, ClinGen allele CA354160296.